The following is an entry in ClinVar:

NM_000218.3(KCNQ1):c.1779C>G (p.Asn593Lys)

Gene: KCNQ1 (potassium voltage-gated channel subfamily Q member 1; plus strand). Cytogenetic location: 11p15.5.
Variant type: single nucleotide variant.
Coding change: c.1779C>G on transcript NM_000218.3 (MANE Select); coding-DNA position 1779, C replaced by G.
Protein change: p.Asn593Lys; replaces asparagine 593 with lysine.
Molecular consequence: missense variant.
Genome position (GRCh38, 1-based): chr11:2,778,022, C>G. VCF-style: chr11-2778022-C-G. GRCh37 (hg19) VCF-style: chr11-2799252-C-G.
Other names: c.1683C>G, p.Asn561Lys (NM_001406836.1); c.1509C>G, p.Asn503Lys (NM_001406837.1); c.1239C>G, p.Asn413Lys (NM_001406838.1); c.291C>G, p.Asn97Lys (NM_001406839.1); c.1398C>G, p.Asn466Lys (NM_181798.2); short protein forms N466K, N593K, N503K, N413K, N97K, N561K.
Identifiers: ClinVar variation 1044816 (VCV001044816.13), dbSNP rs1421636319, ClinGen allele CA379139771.
Genomic context (GRCh38, chr11:2,778,022, plus strand): 5'-TTTATCCCCCATAGAAAAGAGCAAGGATCGCGGCAGCAACACGATCGGCGCCCGCCTGAA[C>G]CGAGTAGAAGACAAGGTAGGCTCACGCGCCGGCCTGCGGTGGTTCTGGTTAGCGTCCTGG-3'
Protein context (NP_000209.2, residues 583-603): RGSNTIGARL[Asn593Lys]RVEDKVTQLD

ClinVar aggregate classification (germline): Uncertain significance. Review status: criteria provided, multiple submitters, no conflicts (2 of 4 stars). 4 submissions from 4 submitters: Uncertain significance (4). Last evaluated 2023-12-18.

Conditions:
Cardiovascular phenotype. Identifiers: MedGen CN230736.
Cardiac arrhythmia. Also called: Cardiac rhythm disease; Arrhythmia. Identifiers: MedGen C0003811, MONDO:0007263, HP:0011675.
Long QT syndrome (LQTS). Identifiers: MedGen C0023976, MeSH D008133, MONDO:0002442. Disease mechanism: loss of function. Inheritance: Various modes of inheritance.

Allele frequency attached by ClinVar (database versions not stated): gnomAD exomes below 0.00001; TOPMed 0.00002.
gnomAD v4.1: 1 of 1,613,776 alleles (0.000062%); highest among the groups gnomAD compares: African/African-American, 0.0013%; no homozygotes.

Submissions (4):

All of Us Research Program, National Institutes of Health
Classification: Uncertain significance for Long QT syndrome. Last evaluated: 2023-12-18. Review status: criteria provided, single submitter. Criteria: ACMG Guidelines, 2015. Collection method: clinical testing. Allele origin: germline. Inheritance: Autosomal dominant inheritance. Observed: 2 variant alleles, 2 heterozygotes.
Comment: This missense variant replaces asparagine with lysine at codon 593 of the KCNQ1 protein. Computational prediction tools indicate that this variant has a deleterious impact on protein structure and function. This variant is found within a highly conserved C-terminus region (a.a. 585-607). Rare non-truncating variants in this region have been shown to be significantly overrepresented in individuals with long QT syndrome (PMID: 32893267). To our knowledge, functional studies have not been reported for this variant. This variant has been reported in an individual affected with sudden unexplained death (PMID: 24631775). This variant has not been identified in the general population by the Genome Aggregation Database (gnomAD). The available evidence is insufficient to determine the role of this variant in disease conclusively. Therefore, this variant is classified as a Variant of Uncertain Significance.

This study involves interpretation of variants in research participants for the purpose of population health screening. Participant phenotype was not available at the time of variant classification. Additional details can be found in publication PMID: 35346344, PMCID: PMC8962531

Color Diagnostics, LLC DBA Color Health
Classification: Uncertain significance for Cardiac arrhythmia. Last evaluated: 2023-11-20. Review status: criteria provided, single submitter. Criteria: ACMG Guidelines, 2015. Collection method: clinical testing. Allele origin: germline.
Comment: This missense variant replaces asparagine with lysine at codon 593 of the KCNQ1 protein. Computational prediction tools indicate that this variant has a deleterious impact on protein structure and function. This variant is found within a highly conserved C-terminus region (a.a. 585-607). Rare non-truncating variants in this region have been shown to be significantly overrepresented in individuals with long QT syndrome (PMID: 32893267). To our knowledge, functional studies have not been reported for this variant. This variant has been reported in an individual affected with sudden unexplained death (PMID: 24631775). This variant has not been identified in the general population by the Genome Aggregation Database (gnomAD). The available evidence is insufficient to determine the role of this variant in disease conclusively. Therefore, this variant is classified as a Variant of Uncertain Significance.

Ambry Genetics
Classification: Uncertain significance for Cardiovascular phenotype. Last evaluated: 2022-12-27. Review status: criteria provided, single submitter. Criteria: Ambry Variant Classification Scheme 2023. Collection method: clinical testing. Allele origin: germline.
Comment: The p.N593K variant (also known as c.1779C>G), located in coding exon 15 of the KCNQ1 gene, results from a C to G substitution at nucleotide position 1779. The asparagine at codon 593 is replaced by lysine, an amino acid with similar properties, and is located in the cytoplasmic subunits assembly domain. This variant was reported in a sudden unexplained death case with a history of respiratory issues and cardiac murmur at birth; however, clinical details were limited (Wang D et al. Forensic Sci. Int., 2014 Apr;237:90-9). This amino acid position is well conserved in available vertebrate species. In addition, the in silico prediction for this alteration is inconclusive. Since supporting evidence is limited at this time, the clinical significance of this alteration remains unclear.

Labcorp Genetics (formerly Invitae), Labcorp
Classification: Uncertain significance for Long QT syndrome. Last evaluated: 2020-10-27. Review status: criteria provided, single submitter. Criteria: Invitae Variant Classification Sherloc (09022015). Collection method: clinical testing. Allele origin: germline.
Comment: In summary, the available evidence is currently insufficient to determine the role of this variant in disease. Therefore, it has been classified as a Variant of Uncertain Significance. Algorithms developed to predict the effect of sequence changes on RNA splicing suggest that this variant may create or strengthen a splice site, but this prediction has not been confirmed by published transcriptional studies. Algorithms developed to predict the effect of missense changes on protein structure and function are either unavailable or do not agree on the potential impact of this missense change (SIFT: "Tolerated"; PolyPhen-2: "Possibly Damaging"; Align-GVGD: "Class C0"). This variant has been observed in individual(s) affected by sudden unexplained death (PMID: 24631775). This variant is not present in population databases (ExAC no frequency). This sequence change replaces asparagine with lysine at codon 593 of the KCNQ1 protein (p.Asn593Lys). The asparagine residue is moderately conserved and there is a moderate physicochemical difference between asparagine and lysine.

Literature cited by the submitters: PubMed 24631775 (cited by 4 submitters); PubMed 32893267 (cited by All of Us Research Program, National Institutes of Health and Color Diagnostics, LLC DBA Color Health).